The following is an entry in ClinVar:

ClinVar aggregate classification (germline): Uncertain significance (1 of 4 stars; one submission).

Allele frequency attached by ClinVar (database versions not stated): gnomAD 0.00001; gnomAD exomes below 0.00001; TOPMed 0.00001; ExAC 0.00006.
gnomAD v4.1: 7 of 1,613,728 alleles (0.00043%); highest among the groups gnomAD compares: East Asian, 0.013%; no homozygotes.

Submission:

Labcorp Genetics (formerly Invitae), Labcorp
Classification: Uncertain significance. Last evaluated: 2022-07-30. Review status: criteria provided, single submitter. Criteria: Invitae Variant Classification Sherloc (09022015). Collection method: clinical testing. Allele origin: germline.
Comment: This sequence change replaces aspartic acid, which is acidic and polar, with asparagine, which is neutral and polar, at codon 553 of the ZNF687 protein (p.Asp553Asn). This variant is present in population databases (rs747212218, gnomAD 0.04%). This variant has not been reported in the literature in individuals affected with ZNF687-related conditions. Algorithms developed to predict the effect of missense changes on protein structure and function are either unavailable or do not agree on the potential impact of this missense change (SIFT: "Tolerated"; PolyPhen-2: "Probably Damaging"; Align-GVGD: "Class C0"). In summary, the available evidence is currently insufficient to determine the role of this variant in disease. Therefore, it has been classified as a Variant of Uncertain Significance.

NM_020832.3(ZNF687):c.1657G>A (p.Asp553Asn)

Gene: ZNF687 (zinc finger protein 687; plus strand). Cytogenetic location: 1q21.3.
Variant type: single nucleotide variant.
Coding change: c.1657G>A on transcript NM_020832.3 (MANE Select); coding-DNA position 1657, G replaced by A.
Protein change: p.Asp553Asn; replaces aspartic acid 553 with asparagine.
Molecular consequence: missense variant.
Genome position (GRCh38, 1-based): chr1:151,287,948, G>A. VCF-style: chr1-151287948-G-A. GRCh37 (hg19) VCF-style: chr1-151260424-G-A.
Other names: c.1657G>A, p.Asp553Asn (NM_001304763.2, NM_001304764.2); short protein forms D553N.
Identifiers: ClinVar variation 2073870 (VCV002073870.4), dbSNP rs747212218, ClinGen allele CA1088367.